The following is an entry in ClinVar:

ClinVar aggregate classification (germline): Pathogenic (1 of 4 stars; one submission).

Conditions:
Autosomal recessive polycystic kidney disease (ARPKD). Also called: AR polycystic kidney disease. Identifiers: Orphanet 731, Orphanet 8378, MedGen C0085548, MeSH D017044, MONDO:0009889.

Submission:

Labcorp Genetics (formerly Invitae), Labcorp
Classification: Pathogenic for Autosomal recessive polycystic kidney disease. Last evaluated: 2021-07-26. Review status: criteria provided, single submitter. Criteria: Invitae Variant Classification Sherloc (09022015). Collection method: clinical testing. Allele origin: germline.
Comment: For these reasons, this variant has been classified as Pathogenic. Loss-of-function variants in PKHD1 are known to be pathogenic (PMID: 19940839). Algorithms developed to predict the effect of sequence changes on RNA splicing suggest that this variant may create or strengthen a splice site, but this prediction has not been confirmed by published transcriptional studies. This variant has not been reported in the literature in individuals with PKHD1-related conditions. This variant is not present in population databases (ExAC no frequency). This sequence change creates a premature translational stop signal (p.Glu1197Glyfs*42) in the PKHD1 gene. It is expected to result in an absent or disrupted protein product.

Literature cited by the submitters: PubMed 19940839.

NM_138694.4(PKHD1):c.3589dup (p.Glu1197fs)

Gene: PKHD1 (PKHD1 ciliary IPT domain containing fibrocystin/polyductin; minus strand). Cytogenetic location: 6p12.2.
Variant type: Duplication.
Coding change: c.3589dup on transcript NM_138694.4 (MANE Select); coding-DNA position 3589, one base duplicated (G; older notation c.3589dupG).
Protein change: p.Glu1197fs; shifts the reading frame from glutamic acid 1197.
Molecular consequence: frameshift variant.
Genome position (GRCh38, 1-based): chr6:52,027,868, C duplicated on the plus strand (G on the coding strand, the reverse complement: PKHD1 is on the minus strand). VCF-style (leftmost placement, unchanged base first): chr6-52027867-T-TC. GRCh37 (hg19) VCF-style: chr6-51892665-T-TC.
Other names: c.3589dup, p.Glu1197fs (NM_170724.3); short protein forms E1197fs.
Identifiers: ClinVar variation 1075810 (VCV001075810.8), dbSNP rs2128151635, ClinGen allele CA2499218375.